The following is an entry in ClinVar:

ClinVar aggregate classification (germline): Uncertain significance (1 of 4 stars; one submission).

Conditions:
Charcot-Marie-Tooth disease axonal type 2S. Also called: CHARCOT-MARIE-TOOTH NEUROPATHY, TYPE 2S; CHARCOT-MARIE-TOOTH DISEASE, AXONAL, AUTOSOMAL RECESSIVE, TYPE 2S. Identifiers: Orphanet 443073, MedGen C4015349, MONDO:0014511, OMIM 616155.
Autosomal recessive distal spinal muscular atrophy 1. Also called: SEVERE INFANTILE AXONAL NEUROPATHY WITH RESPIRATORY FAILURE; SPINAL MUSCULAR ATROPHY, DIAPHRAGMATIC; NEURONOPATHY, DISTAL HEREDITARY MOTOR, HARDING TYPE VI; NEUROPATHY, DISTAL HEREDITARY MOTOR, AUTOSOMAL RECESSIVE 1; Spinal muscular atrophy with respiratory distress 1; HMN VI. Identifiers: Orphanet 98920, MedGen C1858517, MONDO:0011436, OMIM 604320.

Allele frequency attached by ClinVar (database versions not stated): gnomAD exomes below 0.00001 and 0.00001; TOPMed 0.00004.
gnomAD v4.1: 2 of 1,614,186 alleles (0.00012%); highest among the groups gnomAD compares: Admixed American, 0.0033%; no homozygotes.

Submission:

Labcorp Genetics (formerly Invitae), Labcorp
Classification: Uncertain significance for Autosomal recessive distal spinal muscular atrophy 1; Charcot-Marie-Tooth disease axonal type 2S. Last evaluated: 2024-02-24. Review status: criteria provided, single submitter. Criteria: Invitae Variant Classification Sherloc (09022015). Collection method: clinical testing. Allele origin: germline.
Comment: This sequence change replaces alanine, which is neutral and non-polar, with threonine, which is neutral and polar, at codon 604 of the IGHMBP2 protein (p.Ala604Thr). This variant is present in population databases (no rsID available, gnomAD 0.006%). This variant has not been reported in the literature in individuals affected with IGHMBP2-related conditions. ClinVar contains an entry for this variant (Variation ID: 1010128). Advanced modeling of protein sequence and biophysical properties (such as structural, functional, and spatial information, amino acid conservation, physicochemical variation, residue mobility, and thermodynamic stability) has been performed at Invitae for this missense variant, however the output from this modeling did not meet the statistical confidence thresholds required to predict the impact of this variant on IGHMBP2 protein function. In summary, the available evidence is currently insufficient to determine the role of this variant in disease. Therefore, it has been classified as a Variant of Uncertain Significance.

NM_002180.3(IGHMBP2):c.1810G>A (p.Ala604Thr)

Gene: IGHMBP2 (immunoglobulin mu DNA binding protein 2; plus strand). Cytogenetic location: 11q13.3.
Variant type: single nucleotide variant.
Coding change: c.1810G>A on transcript NM_002180.3 (MANE Select); coding-DNA position 1810, G replaced by A.
Protein change: p.Ala604Thr; replaces alanine 604 with threonine.
Molecular consequence: missense variant.
Genome position (GRCh38, 1-based): chr11:68,936,290, G>A. VCF-style: chr11-68936290-G-A. GRCh37 (hg19) VCF-style: chr11-68703758-G-A.
Other names: short protein forms A604T.
Identifiers: ClinVar variation 1010128 (VCV001010128.6), dbSNP rs1240484547, ClinGen allele CA381651592.